The following is an entry in ClinVar:

ClinVar aggregate classification (germline): Uncertain significance (1 of 4 stars; one submission).

Submission:

Labcorp Genetics (formerly Invitae), Labcorp
Classification: Uncertain significance. Last evaluated: 2022-04-10. Review status: criteria provided, single submitter. Criteria: Invitae Variant Classification Sherloc (09022015). Collection method: clinical testing. Allele origin: germline.
Comment: This sequence change affects codon 102 of the IFT43 mRNA. It is a 'silent' change, meaning that it does not change the encoded amino acid sequence of the IFT43 protein. This variant is not present in population databases (gnomAD no frequency). This variant has not been reported in the literature in individuals affected with IFT43-related conditions. Algorithms developed to predict the effect of sequence changes on RNA splicing suggest that this variant may create or strengthen a splice site. In summary, the available evidence is currently insufficient to determine the role of this variant in disease. Therefore, it has been classified as a Variant of Uncertain Significance.

NM_001102564.3(IFT43):c.296-5608G>A

Gene: IFT43 (intraflagellar transport 43; plus strand). Cytogenetic location: 14q24.3.
Variant type: single nucleotide variant.
Coding change: c.296-5608G>A on transcript NM_001102564.3 (MANE Select); 5608 bases into the intron before coding-DNA position 296, G replaced by A.
Molecular consequence: intron variant. On other transcripts: synonymous variant (1).
Genome position (GRCh38, 1-based): chr14:76,076,687, G>A. VCF-style: chr14-76076687-G-A. GRCh37 (hg19) VCF-style: chr14-76543030-G-A.
Other names: c.306G>A, p.Glu102= (NM_052873.3).
Identifiers: ClinVar variation 1960272 (VCV001960272.2), dbSNP rs2503205204, ClinGen allele CA487193966.